The following is an entry in ClinVar:

ClinVar aggregate classification (germline): Uncertain significance (1 of 4 stars; one submission).

Conditions:
Cardiovascular phenotype. Identifiers: MedGen CN230736.

Submission:

Ambry Genetics
Classification: Uncertain significance for Cardiovascular phenotype. Last evaluated: 2026-07-01. Review status: criteria provided, single submitter. Criteria: Ambry Variant Classification Scheme 2023. Collection method: clinical testing. Allele origin: germline.
Comment: The p.A2920V variant (also known as c.8759C>T), located in coding exon 26 of the APOB gene, results from a C to T substitution at nucleotide position 8759. The alanine at codon 2920 is replaced by valine, an amino acid with similar properties. This amino acid position is conserved. In addition, this alteration is predicted to be tolerated by in silico analysis. Based on the available evidence, the clinical significance of this variant remains unclear.

NM_000384.3(APOB):c.8759C>T (p.Ala2920Val)

Gene: APOB (apolipoprotein B; minus strand). Cytogenetic location: 2p24.1.
Variant type: single nucleotide variant.
Coding change: c.8759C>T on transcript NM_000384.3 (MANE Select); coding-DNA position 8759, C replaced by T.
Protein change: p.Ala2920Val; replaces alanine 2920 with valine.
Molecular consequence: missense variant.
Genome position (GRCh38, 1-based): chr2:21,008,109, G>A on the plus strand (C>T on the coding strand, the complement: APOB is on the minus strand). VCF-style: chr2-21008109-G-A. GRCh37 (hg19) VCF-style: chr2-21230981-G-A.
Other names: short protein forms A2920V.
Identifiers: ClinVar variation 5027109 (VCV005027109.1).